The following is an entry in ClinVar:

NM_003737.4(DCHS1):c.3997G>A (p.Val1333Met)

Gene: DCHS1 (dachsous cadherin-related 1; minus strand). Cytogenetic location: 11p15.4.
Variant type: single nucleotide variant.
Coding change: c.3997G>A on transcript NM_003737.4 (MANE Select); coding-DNA position 3997, G replaced by A.
Protein change: p.Val1333Met; replaces valine 1333 with methionine.
Molecular consequence: missense variant.
Genome position (GRCh38, 1-based): chr11:6,630,797, C>T on the plus strand (G>A on the coding strand, the complement: DCHS1 is on the minus strand). VCF-style: chr11-6630797-C-T. GRCh37 (hg19) VCF-style: chr11-6652028-C-T.
Other names: short protein forms V1333M.
Identifiers: ClinVar variation 4773746 (VCV004773746.1).

ClinVar aggregate classification (germline): Uncertain significance (1 of 4 stars; one submission).

gnomAD v4.1: 1 of 1,543,860 alleles (0.000065%); highest among the groups gnomAD compares: Admixed American, 0.002%; no homozygotes.

Submission:

Labcorp Genetics (formerly Invitae), Labcorp
Classification: Uncertain significance. Last evaluated: 2026-01-22. Review status: criteria provided, single submitter. Criteria: Invitae Variant Classification Sherloc (09022015). Collection method: clinical testing. Allele origin: germline.
Comment: This sequence change replaces valine, which is neutral and non-polar, with methionine, which is neutral and non-polar, at codon 1333 of the DCHS1 protein (p.Val1333Met). This variant is not present in population databases (gnomAD no frequency). This variant has not been reported in the literature in individuals affected with DCHS1-related conditions. Invitae Evidence Modeling of protein sequence and biophysical properties (such as structural, functional, and spatial information, amino acid conservation, physicochemical variation, residue mobility, and thermodynamic stability) indicates that this missense variant is not expected to disrupt DCHS1 protein function with a negative predictive value of 80%. In summary, the available evidence is currently insufficient to determine the role of this variant in disease. Therefore, it has been classified as a Variant of Uncertain Significance.